The following is an entry in ClinVar:

NM_005850.5(SF3B4):c.34+9A>G

Genes: SF3B4 (splicing factor 3b subunit 4; minus strand), LOC129931382 (ATAC-STARR-seq lymphoblastoid active region 1665; plus strand). Cytogenetic location: 1q21.2.
Variant type: single nucleotide variant.
Coding change: c.34+9A>G on transcript NM_005850.5 (MANE Select); 9 bases into the intron after coding-DNA position 34, A replaced by G.
Molecular consequence: intron variant.
Genome position (GRCh38, 1-based): chr1:149,927,717, T>C on the plus strand (A>G on the coding strand, the complement: SF3B4 is on the minus strand). VCF-style: chr1-149927717-T-C. GRCh37 (hg19) VCF-style: chr1-149899609-T-C.
Identifiers: ClinVar variation 3043491 (VCV003043491.3), dbSNP rs373010695, ClinGen allele CA1071589.

ClinVar aggregate classification (germline): Likely benign. Review status: criteria provided, single submitter (1 of 4 stars). 2 submissions from 2 submitters: Likely benign (1). 1 of the submissions does not count toward it. Last evaluated 2024-11-13.

Conditions:
SF3B4-related disorder. Also called: SF3B4-related condition.

gnomAD v4.1: 66 of 1,552,714 alleles (0.0043%); highest among the groups gnomAD compares: African/African-American, 0.085%; no homozygotes.

Submissions (2):

Blueprint Genetics
Classification: Likely benign. Last evaluated: 2024-11-13. Review status: criteria provided, single submitter. Criteria: ACMG Guidelines, 2015. Collection method: clinical testing. Allele origin: germline.

PreventionGenetics, part of Exact Sciences
Classification: Likely benign for SF3B4-related condition. Last evaluated: 2019-06-25. Review status: no assertion criteria provided. Collection method: clinical testing. Allele origin: germline. Not counted in ClinVar's aggregate classification.
Comment: This variant is classified as likely benign based on ACMG/AMP sequence variant interpretation guidelines (Richards et al. 2015 PMID: 25741868, with internal and published modifications).